The following is an entry in ClinVar:

ClinVar aggregate classification (germline): Likely pathogenic. Review status: criteria provided, multiple submitters, no conflicts (2 of 4 stars). 3 submissions from 3 submitters: Likely pathogenic (2). 1 of the submissions does not count toward it. Last evaluated 2024-09-20.

Conditions:
Glycine encephalopathy 1 (GCE1). Identifiers: MedGen CN376801, MONDO:0958179, OMIM 605899.
Glycine encephalopathy. Also called: Non-ketotic hyperglycinemia; Nonketotic hyperglycinemia. Identifiers: Orphanet 407, MedGen C0751748, MONDO:0011612, HP:0008288.

Submissions (3):

Natera, Inc.
Classification: Likely pathogenic for Non-ketotic hyperglycinemia. Last evaluated: 2024-09-20. Review status: criteria provided, single submitter. Criteria: Natera Variant Classification Schema (03/2026). Collection method: clinical testing. Allele origin: germline.
Comment: The c.1034dup variant in AMT is a frameshift variant predicted to shift the reading frame beginning at codon 346 and leads to a stop codon 4 codons downstream. This variant is expected to result in nonsense mediated decay, truncation, or a dysfunctional protein product. This variant is rare in the general population with a frequency below the threshold expected for the associated phenotype(s). Given the available evidence, this variant is classified as Likely Pathogenic.

GeneDx
Classification: Likely pathogenic. Last evaluated: 2018-06-15. Review status: criteria provided, single submitter. Criteria: GeneDx Variant Classification (06012015). Collection method: clinical testing. Allele origin: germline. Affected: yes.
Comment: The c.1034dupG variant in the AMT gene has not been reported previously as a pathogenic variant nor as a benign variant, to our knowledge. The c.1034dupG variant causes a frameshift starting with codon Threonine 346, changes this amino acid to a Tyrosine residue, and creates a premature Stop codon at position 4 of the new reading frame, denoted p.Thr346TyrfsX4. This variant replaces the last 58 amino acids with 3 incorrect residues, and is predicted to cause loss of normal protein function through protein truncation. Although not present in the homozygous state, the c.1034dupG variant is observed in 3/33,580 (0.0089%) alleles from individuals of Latino background, in large population cohorts (Lek et al., 2016). We interpret c.1034dupG as a likely pathogenic variant.

Counsyl
Classification: Likely pathogenic for Glycine encephalopathy 1. Last evaluated: 2017-05-24. Review status: no assertion criteria provided. Collection method: clinical testing. Allele origin: unknown. Not counted in ClinVar's aggregate classification.

NM_000481.4(AMT):c.1034-1dup

Gene: AMT (aminomethyltransferase; minus strand). Cytogenetic location: 3p21.31.
Variant type: Duplication.
Coding change: c.1034-1dup on transcript NM_000481.4 (MANE Select); the canonical splice acceptor site of the intron before coding-DNA position 1034, one base duplicated (G; older notation c.1034-1dupG).
Molecular consequence: splice acceptor variant.
Genome position (GRCh38, 1-based): chr3:49,417,718, C duplicated on the plus strand (G on the coding strand, the reverse complement: AMT is on the minus strand); the first of 2 consecutive C bases (chr3:49,417,718-49,417,719); duplicating either gives the same sequence. VCF-style (leftmost placement, unchanged base first): chr3-49417717-A-AC. GRCh37 (hg19) VCF-style: chr3-49455150-A-AC.
Other names: c.866-1dup (NM_001164711.2); c.902-1dup (NM_001164710.2); c.1034-1dup (NM_001164712.2); c.1034dup (NM_000481.3).
Identifiers: ClinVar variation 552170 (VCV000552170.4), dbSNP rs1238918084, ClinGen allele CA543049488.